The following is an entry in ClinVar:

ClinVar aggregate classification (germline): Benign. Review status: criteria provided, single submitter (1 of 4 stars). 2 submissions from 2 submitters: Benign (1). 1 of the submissions does not count toward it. Last evaluated 2023-09-26.

Conditions:
Diamond-Blackfan anemia. Also called: Blackfan Diamond syndrome; Aregenerative anemia chronic congenital; Red cell aplasia, pure hereditary; Congenital hypoplastic anemia; Aase syndrome. Identifiers: Orphanet 124, MedGen C1260899, MeSH D029503, MONDO:0015253, HP:0004810.
RPL11-related disorder. Also called: RPL11-related condition.

Allele frequency attached by ClinVar (database versions not stated): gnomAD 0.00001; gnomAD exomes 0.00003 and 0.00005; ExAC 0.00009.

Submissions (2):

Labcorp Genetics (formerly Invitae), Labcorp
Classification: Benign for Diamond-Blackfan anemia. Last evaluated: 2023-09-26. Review status: criteria provided, single submitter. Criteria: Invitae Variant Classification Sherloc (09022015). Collection method: clinical testing. Allele origin: germline.

PreventionGenetics, part of Exact Sciences
Classification: Likely benign for RPL11-related condition. Last evaluated: 2024-08-06. Review status: no assertion criteria provided. Collection method: clinical testing. Allele origin: germline. Not counted in ClinVar's aggregate classification.
Comment: This variant is classified as likely benign based on ACMG/AMP sequence variant interpretation guidelines (Richards et al. 2015 PMID: 25741868, with internal and published modifications).

NM_000975.5(RPL11):c.51C>T (p.Ile17=)

Gene: RPL11 (ribosomal protein L11; plus strand). Cytogenetic location: 1p36.11.
Variant type: single nucleotide variant.
Coding change: c.51C>T on transcript NM_000975.5 (MANE Select); coding-DNA position 51, C replaced by T.
Protein change: p.Ile17=; no amino-acid change (isoleucine 17 retained).
Molecular consequence: synonymous variant.
Genome position (GRCh38, 1-based): chr1:23,692,653, C>T. VCF-style: chr1-23692653-C-T. GRCh37 (hg19) VCF-style: chr1-24019143-C-T.
Other names: c.51C>T (NM_000975.3); c.48C>T, p.Ile16= (NM_001199802.1).
Identifiers: ClinVar variation 1600646 (VCV001600646.9), dbSNP rs766157130, ClinGen allele CA684159.